The following is an entry in ClinVar:

NM_004304.5(ALK):c.4387G>T (p.Val1463Phe)

Gene: ALK (ALK receptor tyrosine kinase; minus strand). Cytogenetic location: 2p23.2.
Variant type: single nucleotide variant.
Coding change: c.4387G>T on transcript NM_004304.5 (MANE Select); coding-DNA position 4387, G replaced by T.
Protein change: p.Val1463Phe; replaces valine 1463 with phenylalanine.
Molecular consequence: missense variant.
Genome position (GRCh38, 1-based): chr2:29,193,700, C>A on the plus strand (G>T on the coding strand, the complement: ALK is on the minus strand). VCF-style: chr2-29193700-C-A. GRCh37 (hg19) VCF-style: chr2-29416566-C-A.
Other names: c.4387G>T (NM_004304.4); c.1183G>T, p.Val395Phe (NM_001353765.2); short protein forms V1463F, V395F.
Identifiers: ClinVar variation 1495059 (VCV001495059.7), dbSNP rs2148138487, ClinGen allele CA346462267.

ClinVar aggregate classification (germline): Uncertain significance. Review status: criteria provided, multiple submitters, no conflicts (2 of 4 stars). 2 submissions from 2 submitters: Uncertain significance (2). Last evaluated 2025-01-27.

Conditions:
Hereditary cancer-predisposing syndrome. Also called: Neoplastic Syndromes, Hereditary; Tumor predisposition; Hereditary neoplastic syndrome; Hereditary Cancer Syndrome. Identifiers: Orphanet 140162, MedGen C0027672, MeSH D009386, MONDO:0015356.
Neuroblastoma, susceptibility to, 3. Also called: ALK-Related Neuroblastic Tumor Susceptibility. Identifiers: Orphanet 635, MedGen C2751681, MONDO:0013083, OMIM 613014.

Submissions (2):

Ambry Genetics
Classification: Uncertain significance for Hereditary cancer-predisposing syndrome. Last evaluated: 2025-01-27. Review status: criteria provided, single submitter. Criteria: Ambry Variant Classification Scheme 2023. Collection method: clinical testing. Allele origin: germline.
Comment: The p.V1463F variant (also known as c.4387G>T), located in coding exon 29 of the ALK gene, results from a G to T substitution at nucleotide position 4387. The valine at codon 1463 is replaced by phenylalanine, an amino acid with highly similar properties. This amino acid position is conserved. In addition, this alteration is predicted to be tolerated by in silico analysis. Based on the available evidence, the clinical significance of this variant remains unclear.

Labcorp Genetics (formerly Invitae), Labcorp
Classification: Uncertain significance for Neuroblastoma, susceptibility to, 3. Last evaluated: 2021-10-07. Review status: criteria provided, single submitter. Criteria: Invitae Variant Classification Sherloc (09022015). Collection method: clinical testing. Allele origin: germline.
Comment: This sequence change replaces valine with phenylalanine at codon 1463 of the ALK protein (p.Val1463Phe). The valine residue is moderately conserved and there is a small physicochemical difference between valine and phenylalanine. This variant is not present in population databases (ExAC no frequency). This variant has not been reported in the literature in individuals affected with ALK-related conditions. Algorithms developed to predict the effect of missense changes on protein structure and function (SIFT, PolyPhen-2, Align-GVGD) all suggest that this variant is likely to be tolerated. In summary, the available evidence is currently insufficient to determine the role of this variant in disease. Therefore, it has been classified as a Variant of Uncertain Significance.